The following is an entry in ClinVar:

NM_020549.5(CHAT):c.1511G>A (p.Arg504Gln)

Gene: CHAT (choline O-acetyltransferase; plus strand). Cytogenetic location: 10q11.23.
Variant type: single nucleotide variant.
Coding change: c.1511G>A on transcript NM_020549.5 (MANE Select); coding-DNA position 1511, G replaced by A.
Protein change: p.Arg504Gln; replaces arginine 504 with glutamine.
Molecular consequence: missense variant.
Genome position (GRCh38, 1-based): chr10:49,649,636, G>A. VCF-style: chr10-49649636-G-A. GRCh37 (hg19) VCF-style: chr10-50857682-G-A.
Other names: c.1157G>A, p.Arg386Gln (NM_001142929.2, NM_001142934.2, NM_020984.4 and 2 more transcripts); c.1265G>A, p.Arg422Gln (NM_001142933.2); short protein forms R386Q, R504Q, R422Q.
Identifiers: ClinVar variation 498120 (VCV000498120.11), dbSNP rs200335347, ClinGen allele CA5497525.

ClinVar aggregate classification (germline): Uncertain significance. Review status: criteria provided, multiple submitters, no conflicts (2 of 4 stars). 4 submissions from 4 submitters: Uncertain significance (4). Last evaluated 2022-09-06.

Conditions:
Familial infantile myasthenia (CMS6). Also called: Congenital myasthenic syndrome type 6; MYASTHENIC SYNDROME, PRESYNAPTIC, CONGENITAL, ASSOCIATED WITH EPISODIC APNEA; MYASTHENIC SYNDROME, CONGENITAL, 6, PRESYNAPTIC. Identifiers: Orphanet 590, MedGen C0393929, MONDO:0009689, OMIM 254210.

Allele frequency attached by ClinVar (database versions not stated): gnomAD exomes 0.00002 and 0.00004; ExAC 0.00003; gnomAD 0.00014 and 0.00015; 1000 Genomes Project 30x 0.00016; 1000 Genomes Project 0.00020; TOPMed 0.00025.

Submissions (4):

Labcorp Genetics (formerly Invitae), Labcorp
Classification: Uncertain significance for Familial infantile myasthenia. Last evaluated: 2022-09-06. Review status: criteria provided, single submitter. Criteria: Invitae Variant Classification Sherloc (09022015). Collection method: clinical testing. Allele origin: germline.
Comment: This sequence change replaces arginine, which is basic and polar, with glutamine, which is neutral and polar, at codon 504 of the CHAT protein (p.Arg504Gln). This variant also falls at the last nucleotide of exon 10, which is part of the consensus splice site for this exon. This variant is present in population databases (rs200335347, gnomAD 0.009%). This variant has not been reported in the literature in individuals affected with CHAT-related conditions. ClinVar contains an entry for this variant (Variation ID: 498120). Algorithms developed to predict the effect of missense changes on protein structure and function output the following: SIFT: "Tolerated"; PolyPhen-2: "Benign"; Align-GVGD: "Class C0". The glutamine amino acid residue is found in multiple mammalian species, which suggests that this missense change does not adversely affect protein function. Variants that disrupt the consensus splice site are a relatively common cause of aberrant splicing (PMID: 17576681, 9536098). Algorithms developed to predict the effect of sequence changes on RNA splicing suggest that this variant may disrupt the consensus splice site. In summary, the available evidence is currently insufficient to determine the role of this variant in disease. Therefore, it has been classified as a Variant of Uncertain Significance.

Baylor Genetics
Classification: Uncertain significance for Familial infantile myasthenia. Last evaluated: 2020-08-25. Review status: criteria provided, single submitter. Criteria: ACMG Guidelines, 2015. Collection method: clinical testing. Allele origin: unknown. Affected: yes.
Comment: This variant was determined to be of uncertain significance according to ACMG Guidelines, 2015 [PMID:25741868].

Revvity Omics, Revvity
Classification: Uncertain significance for Familial infantile myasthenia. Last evaluated: 2019-05-02. Review status: criteria provided, single submitter. Criteria: ACMG Guidelines, 2015. Collection method: clinical testing. Allele origin: germline.

Eurofins Ntd Llc (ga)
Classification: Uncertain significance. Last evaluated: 2016-11-30. Review status: criteria provided, single submitter. Criteria: EGL Classification Definitions 2015. Collection method: clinical testing. Allele origin: germline. Observed: 1 variant allele, 1 heterozygote.

Literature cited by the submitters: PubMed 17576681 (cited by Labcorp Genetics (formerly Invitae), Labcorp); PubMed 9536098 (cited by Labcorp Genetics (formerly Invitae), Labcorp).